The following is an entry in ClinVar:

ClinVar aggregate classification (germline): Uncertain significance. Review status: criteria provided, multiple submitters, no conflicts (2 of 4 stars). 3 submissions from 3 submitters: Uncertain significance (3). Last evaluated 2025-07-07.

Allele frequency attached by ClinVar (database versions not stated): gnomAD exomes 0.00001; TOPMed 0.00001; ESP Exome Variant Server 0.00008.
gnomAD v4.1: 9 of 1,613,788 alleles (0.00056%); highest among the groups gnomAD compares: Non-Finnish European, 0.00076%; no homozygotes.

Submissions (3):

Labcorp Genetics (formerly Invitae), Labcorp
Classification: Uncertain significance. Last evaluated: 2025-07-07. Review status: criteria provided, single submitter. Criteria: Invitae Variant Classification Sherloc (09022015). Collection method: clinical testing. Allele origin: germline.
Comment: This sequence change replaces phenylalanine, which is neutral and non-polar, with serine, which is neutral and polar, at codon 127 of the SEMA4A protein (p.Phe127Ser). This variant is present in population databases (rs142104983, gnomAD 0.002%). This variant has not been reported in the literature in individuals affected with SEMA4A-related conditions. ClinVar contains an entry for this variant (Variation ID: 1347422). Invitae Evidence Modeling of protein sequence and biophysical properties (such as structural, functional, and spatial information, amino acid conservation, physicochemical variation, residue mobility, and thermodynamic stability) has been performed for this missense variant. However, the output from this modeling did not meet the statistical confidence thresholds required to predict the impact of this variant on SEMA4A protein function. In summary, the available evidence is currently insufficient to determine the role of this variant in disease. Therefore, it has been classified as a Variant of Uncertain Significance.

Blueprint Genetics
Classification: Uncertain significance. Last evaluated: 2024-11-22. Review status: criteria provided, single submitter. Criteria: ACMG Guidelines, 2015. Collection method: clinical testing. Allele origin: germline.

Ambry Genetics
Classification: Uncertain significance. Last evaluated: 2024-10-01. Review status: criteria provided, single submitter. Criteria: Ambry Variant Classification Scheme 2023. Collection method: clinical testing. Allele origin: germline.

NM_022367.4(SEMA4A):c.380T>C (p.Phe127Ser)

Gene: SEMA4A (semaphorin 4A; plus strand). Cytogenetic location: 1q22.
Variant type: single nucleotide variant.
Coding change: c.380T>C on transcript NM_022367.4 (MANE Select); coding-DNA position 380, T replaced by C.
Protein change: p.Phe127Ser; replaces phenylalanine 127 with serine.
Molecular consequence: missense variant. On other transcripts: 5 prime UTR variant (2), intron variant (1).
Genome position (GRCh38, 1-based): chr1:156,158,404, T>C. VCF-style: chr1-156158404-T-C. GRCh37 (hg19) VCF-style: chr1-156128195-T-C.
Other names: c.380T>C, p.Phe127Ser (NM_001193300.2, NM_001193301.2, NM_001370567.1); c.83T>C, p.Phe28Ser (NM_001370568.1); c.-145T>C (NM_001370569.1, NM_001370571.1); c.66+272T>C (NM_001193302.2); c.380T>C (NM_022367.3); short protein forms F127S, F28S.
Identifiers: ClinVar variation 1347422 (VCV001347422.8), dbSNP rs142104983, ClinGen allele CA31030783.
Genomic context (GRCh38, chr1:156,158,404, plus strand): 5'-TTGAGTCAGGTGGCCTGGAGACCTAAATTCTCTGTCTCCCTCAGACACAGTGTTTCAACT[T>C]CATCCGTGTCCTGGTTTCTTACAATGTCACCCATCTCTACACCTGCGGCACCTTCGCCTT-3'
Protein context (NP_071762.2, residues 117-137): KKSNETQCFN[Phe127Ser]IRVLVSYNVT